The following is an entry in ClinVar:

ClinVar aggregate classification (germline): Likely pathogenic. Review status: criteria provided, multiple submitters, no conflicts (2 of 4 stars). 3 submissions from 3 submitters: Likely pathogenic (2). 1 of the submissions does not count toward it. Last evaluated 2024-10-08.

Conditions:
Wilson disease (WND). Also called: Wilson's disease. Identifiers: Orphanet 905, MedGen C0019202, MONDO:0010200, OMIM 277900. Disease mechanism: loss of function.

Submissions (3):

Natera, Inc.
Classification: Likely pathogenic for Wilson disease. Last evaluated: 2024-10-08. Review status: criteria provided, single submitter. Criteria: Natera Variant Classification Schema (03/2026). Collection method: clinical testing. Allele origin: germline.
Comment: The c.1700_1707+16del variant in ATP7B is a deletion affecting canonical splice donor site and part of an exon. This variant is expected to result in nonsense mediated decay, truncation, or a dysfunctional protein product. This variant is rare in the general population with a frequency below the threshold expected for the associated phenotype(s). Given the available evidence, this variant is classified as Likely Pathogenic.

Labcorp Genetics (formerly Invitae), Labcorp
Classification: Likely pathogenic for Wilson disease. Last evaluated: 2023-08-02. Review status: criteria provided, single submitter. Criteria: Invitae Variant Classification Sherloc (09022015). Collection method: clinical testing. Allele origin: germline.
Comment: This variant has been observed in individual(s) with Wilson disease (Invitae). This variant results in the deletion of part of exon 4 (c.1700_1707+16del) of the ATP7B gene. It is expected to disrupt RNA splicing. Variants that disrupt the donor or acceptor splice site typically lead to a loss of protein function (PMID: 16199547), and loss-of-function variants in ATP7B are known to be pathogenic (PMID: 10441329, 16283883). This variant is not present in population databases (gnomAD no frequency). Algorithms developed to predict the effect of sequence changes on RNA splicing suggest that this variant may disrupt the consensus splice site. ClinVar contains an entry for this variant (Variation ID: 552359). In summary, the currently available evidence indicates that the variant is pathogenic, but additional data are needed to prove that conclusively. Therefore, this variant has been classified as Likely Pathogenic.

Counsyl
Classification: Likely pathogenic for Wilson disease. Last evaluated: 2017-06-21. Review status: no assertion criteria provided. Collection method: clinical testing. Allele origin: unknown. Not counted in ClinVar's aggregate classification.

Literature cited by the submitters: PubMed 16199547 (cited by Labcorp Genetics (formerly Invitae), Labcorp); PubMed 10441329 (cited by Labcorp Genetics (formerly Invitae), Labcorp); PubMed 16283883 (cited by Labcorp Genetics (formerly Invitae), Labcorp).

NM_000053.4(ATP7B):c.1700_1707+16del

Gene: ATP7B (ATPase copper transporting beta; minus strand). Cytogenetic location: 13q14.3.
Variant type: Deletion.
Coding change: c.1700_1707+16del on transcript NM_000053.4 (MANE Select); coding-DNA position 1700 through 16 bases into the intron after coding-DNA position 1707, 24 bases deleted (AGCTGACAGTAAGTACTGTGGGTG).
Molecular consequence: splice donor variant.
Genome position (GRCh38, 1-based): chr13:51,968,428-51,968,451, CACCCACAGTACTTACTGTCAGCT deleted on the plus strand (AGCTGACAGTAAGTACTGTGGGTG on the coding strand, the reverse complement: ATP7B is on the minus strand); deleting any 24 consecutive bases within chr13:51,968,428-51,968,453 gives the same sequence; the c. name uses the placement nearest the transcript's 3' end. VCF-style (leftmost placement, unchanged base first): chr13-51968427-GCACCCACAGTACTTACTGTCAGCT-G. GRCh37 (hg19) VCF-style: chr13-52542563-GCACCCACAGTACTTACTGTCAGCT-G.
Other names: c.1367_1374+16del (NM_001243182.2); c.1700_1707+16del (NM_001005918.3, NM_001330579.2, NM_001330578.2 and 1 more transcripts); c.1700_1707+16del24 (NM_000053.3).
Identifiers: ClinVar variation 552359 (VCV000552359.6), dbSNP rs1555294199, ClinGen allele CA658823716.
Genomic context (GRCh38, chr13:51,968,427, plus strand): 5'-CTAATCACAAAGATGGATGTGTCCAAAATGCAAACTGTCAGAAGCCTGTAACCCCGTAAC[GCACCCACAGTACTTACTGTCAGCT>G]CAATGTTGCCATCGGAGCCTGCGTAGTCCTCCATGACTGCTGCCTCAAAACCCAGGTCCT-3'